The following is an entry in ClinVar:

NM_001077350.3(NPRL3):c.1545G>A (p.Arg515=)

Gene: NPRL3 (NPR3 like, GATOR1 complex subunit; minus strand). Cytogenetic location: 16p13.3.
Variant type: single nucleotide variant.
Coding change: c.1545G>A on transcript NM_001077350.3 (MANE Select); coding-DNA position 1545, G replaced by A.
Protein change: p.Arg515=; no amino-acid change (arginine 515 retained).
Molecular consequence: synonymous variant.
Genome position (GRCh38, 1-based): chr16:86,870, C>T on the plus strand (G>A on the coding strand, the complement: NPRL3 is on the minus strand). VCF-style: chr16-86870-C-T. GRCh37 (hg19) VCF-style: chr16-136869-C-T.
Other names: c.1008G>A, p.Arg336= (NM_001039476.3); c.1311G>A, p.Arg437= (NM_001243247.2); c.1470G>A, p.Arg490= (NM_001243248.2, NM_001243249.2).
Identifiers: ClinVar variation 1356027 (VCV001356027.7), dbSNP rs2141895127, ClinGen allele CA492795248.

ClinVar aggregate classification (germline): Uncertain significance. Review status: criteria provided, multiple submitters, no conflicts (2 of 4 stars). 2 submissions from 2 submitters: Uncertain significance (2). Last evaluated 2024-08-21.

Conditions:
Epilepsy, familial focal, with variable foci 3 (FFEVF3). Identifiers: MedGen C4310708, MONDO:0014925, OMIM 617118.

Submissions (2):

Labcorp Genetics (formerly Invitae), Labcorp
Classification: Uncertain significance for Epilepsy, familial focal, with variable foci 3. Last evaluated: 2024-08-21. Review status: criteria provided, single submitter. Criteria: Invitae Variant Classification Sherloc (09022015). Collection method: clinical testing. Allele origin: germline.
Comment: This sequence change affects codon 515 of the NPRL3 mRNA. It is a 'silent' change, meaning that it does not change the encoded amino acid sequence of the NPRL3 protein. It affects a nucleotide within the consensus splice site. This variant is not present in population databases (gnomAD no frequency). This variant has not been reported in the literature in individuals affected with NPRL3-related conditions. ClinVar contains an entry for this variant (Variation ID: 1356027). Algorithms developed to predict the effect of sequence changes on RNA splicing suggest that this variant is not likely to affect RNA splicing. In summary, the available evidence is currently insufficient to determine the role of this variant in disease. Therefore, it has been classified as a Variant of Uncertain Significance.

Women's Health and Genetics/Laboratory Corporation of America, LabCorp
Classification: Uncertain significance. Last evaluated: 2024-08-05. Review status: criteria provided, single submitter. Criteria: LabCorp Variant Classification Summary - May 2015. Collection method: clinical testing. Allele origin: germline.
Comment: Variant summary: NPRL3 c.1542G>A (p.Arg514Arg), also known as also known as c.1545G>A (p.Arg515Arg) in Refseq, alters a conserved nucleotide located close to a canonical splice site and therefore could affect mRNA splicing, leading to a significantly altered protein sequence. Consensus agreement among computation tools predict no significant impact on normal splicing. However, these predictions have yet to be confirmed by functional studies. The variant was absent in 244210 control chromosomes. The available data on variant occurrences in the general population are insufficient to allow any conclusion about variant significance. To our knowledge, no occurrence of c.1542G>A in individuals affected with Epilepsy, Familial Focal, With Variable Foci 1 and no experimental evidence demonstrating its impact on protein function have been reported. ClinVar contains an entry for this variant (Variation ID: 1356027). Based on the evidence outlined above, the variant was classified as uncertain significance.